The following is an entry in ClinVar:

ClinVar aggregate classification (germline): Uncertain significance. Review status: criteria provided, multiple submitters, no conflicts (2 of 4 stars). 4 submissions from 3 submitters: Uncertain significance (4). Last evaluated 2025-11-27.

Conditions:
Brain small vessel disease 1 with or without ocular anomalies (BSVD1). Also called: BRAIN SMALL VESSEL DISEASE WITH HEMORRHAGE; GOULD SYNDROME 1; PORENCEPHALY, TYPE 1, AUTOSOMAL DOMINANT; Brain small vessel disease with or without ocular anomalies. Identifiers: Orphanet 2940, Orphanet 36383, Orphanet 99810, MedGen C4755307, MONDO:0008289, OMIM 175780.
Autosomal dominant familial hematuria-retinal arteriolar tortuosity-contractures syndrome. Also called: Angiopathy, hereditary, with nephropathy, aneurysms, and muscle cramps; Hereditary Angiopathy with Nephropathy, Aneurysms, and Muscle Cramps (HANAC) Syndrome. Identifiers: Orphanet 73229, MedGen C2673195, MONDO:0012726, OMIM 611773.

Allele frequency attached by ClinVar (database versions not stated): gnomAD exomes 0.00001; TOPMed 0.00001; ExAC 0.00001; gnomAD 0.00001.
gnomAD v4.1: 20 of 1,613,862 alleles (0.0012%); highest among the groups gnomAD compares: East Asian, 0.0022%; no homozygotes.

Submissions (4):

Labcorp Genetics (formerly Invitae), Labcorp
Classification: Uncertain significance. Last evaluated: 2025-11-27. Review status: criteria provided, single submitter. Criteria: Invitae Variant Classification Sherloc (09022015). Collection method: clinical testing. Allele origin: germline.
Comment: This sequence change replaces proline, which is neutral and non-polar, with leucine, which is neutral and non-polar, at codon 911 of the COL4A1 protein (p.Pro911Leu). This variant is present in population databases (rs778143775, gnomAD 0.003%). This variant has not been reported in the literature in individuals affected with COL4A1-related conditions. ClinVar contains an entry for this variant (Variation ID: 311049). Invitae Evidence Modeling of protein sequence and biophysical properties (such as structural, functional, and spatial information, amino acid conservation, physicochemical variation, residue mobility, and thermodynamic stability) indicates that this missense variant is not expected to disrupt COL4A1 protein function with a negative predictive value of 95%. In summary, the available evidence is currently insufficient to determine the role of this variant in disease. Therefore, it has been classified as a Variant of Uncertain Significance.

ARUP Laboratories, Molecular Genetics and Genomics, ARUP Laboratories
Classification: Uncertain significance. Last evaluated: 2024-10-25. Review status: criteria provided, single submitter. Criteria: ARUP Molecular Germline Variant Investigation Process 2024. Collection method: clinical testing. Allele origin: germline.

Illumina Laboratory Services, Illumina
Classification: Uncertain significance for Brain small vessel disease 1 with or without ocular anomalies. Last evaluated: 2018-01-13. Review status: criteria provided, single submitter. Criteria: ICSL Variant Classification Criteria 13 December 2019. Collection method: clinical testing. Allele origin: germline.

Illumina Laboratory Services, Illumina
Classification: Uncertain significance for Autosomal dominant familial hematuria-retinal arteriolar tortuosity-contractures syndrome. Last evaluated: 2018-01-13. Review status: criteria provided, single submitter. Criteria: ICSL Variant Classification Criteria 13 December 2019. Collection method: clinical testing. Allele origin: germline.

NM_001845.6(COL4A1):c.2732C>T (p.Pro911Leu)

Gene: COL4A1 (collagen type IV alpha 1 chain; minus strand). Cytogenetic location: 13q34.
Variant type: single nucleotide variant.
Coding change: c.2732C>T on transcript NM_001845.6 (MANE Select); coding-DNA position 2732, C replaced by T.
Protein change: p.Pro911Leu; replaces proline 911 with leucine.
Molecular consequence: missense variant.
Genome position (GRCh38, 1-based): chr13:110,177,022, G>A on the plus strand (C>T on the coding strand, the complement: COL4A1 is on the minus strand). VCF-style: chr13-110177022-G-A. GRCh37 (hg19) VCF-style: chr13-110829369-G-A.
Other names: short protein forms P911L.
Identifiers: ClinVar variation 311049 (VCV000311049.14), dbSNP rs778143775, ClinGen allele CA7047491.
Genomic context (GRCh38, chr13:110,177,022, plus strand): 5'-AGACCGACATCCCCCTTATCACCTTTCAAGCCAGGGTCTCCCCTGGGTCCTGAGGAGCCC[G>A]GAAAGCCATGGTCCCCTGCAGAGGAAAGAGAAGGCACTGGTGAGCCTGGGCCAGTGTCAC-3'
Protein context (NP_001836.3, residues 901-921): LPGEKGDHGF[Pro911Leu]GSSGPRGDPG